The following is an entry in ClinVar:

NM_015355.4(SUZ12):c.917G>C (p.Arg306Thr)

Gene: SUZ12 (SUZ12 polycomb repressive complex 2 subunit; plus strand). Cytogenetic location: 17q11.2.
Variant type: single nucleotide variant.
Coding change: c.917G>C on transcript NM_015355.4 (MANE Select); coding-DNA position 917, G replaced by C.
Protein change: p.Arg306Thr; replaces arginine 306 with threonine.
Molecular consequence: missense variant.
Genome position (GRCh38, 1-based): chr17:31,976,614, G>C. VCF-style: chr17-31976614-G-C. GRCh37 (hg19) VCF-style: chr17-30303633-G-C.
Other names: c.848G>C, p.Arg283Thr (NM_001321207.2); short protein forms R283T, R306T.
Identifiers: ClinVar variation 1706958 (VCV001706958.2), dbSNP rs2508632277, ClinGen allele CA399026766.

ClinVar aggregate classification (germline): Uncertain significance (1 of 4 stars; one submission).

Submission:

GeneDx
Classification: Uncertain significance. Last evaluated: 2022-09-23. Review status: criteria provided, single submitter. Criteria: GeneDx Variant Classification Process June 2021. Collection method: clinical testing. Allele origin: germline. Affected: yes.
Comment: Not observed at significant frequency in large population cohorts (gnomAD); In silico analysis supports that this missense variant has a deleterious effect on splicing; In silico analysis supports that this missense variant does not alter protein structure/function; Has not been previously published as pathogenic or benign to our knowledge